The following is an entry in ClinVar:

NM_003738.5(PTCH2):c.3580A>C (p.Ser1194Arg)

Gene: PTCH2 (patched 2; minus strand). Cytogenetic location: 1p34.1.
Variant type: single nucleotide variant.
Coding change: c.3580A>C on transcript NM_003738.5 (MANE Select); coding-DNA position 3580, A replaced by C.
Protein change: p.Ser1194Arg; replaces serine 1194 with arginine.
Molecular consequence: missense variant. On other transcripts: intron variant (1).
Genome position (GRCh38, 1-based): chr1:44,822,447, T>G on the plus strand (A>C on the coding strand, the complement: PTCH2 is on the minus strand). VCF-style: chr1-44822447-T-G. GRCh37 (hg19) VCF-style: chr1-45288119-T-G.
Other names: c.3425+155A>C (NM_001166292.2); short protein forms S1194R.
Identifiers: ClinVar variation 2742377 (VCV002742377.3), dbSNP rs2521916938, ClinGen allele CA340105327.

ClinVar aggregate classification (germline): Uncertain significance (1 of 4 stars; one submission).

Conditions:
Gorlin syndrome. Also called: Basal cell nevus syndrome; Nevoid Basal Cell Carcinoma Syndrome. Identifiers: Orphanet 377, MedGen C0004779, MONDO:0007187.

Allele frequency attached by ClinVar (database versions not stated): gnomAD exomes below 0.00001.
gnomAD v4.1: 3 of 1,613,854 alleles (0.00019%); highest among the groups gnomAD compares: Non-Finnish European, 0.00025%; no homozygotes.

Submission:

Labcorp Genetics (formerly Invitae), Labcorp
Classification: Uncertain significance for Gorlin syndrome. Last evaluated: 2024-01-27. Review status: criteria provided, single submitter. Criteria: Invitae Variant Classification Sherloc (09022015). Collection method: clinical testing. Allele origin: germline.
Comment: This sequence change replaces serine, which is neutral and polar, with arginine, which is basic and polar, at codon 1194 of the PTCH2 protein (p.Ser1194Arg). This variant is not present in population databases (gnomAD no frequency). This variant has not been reported in the literature in individuals affected with PTCH2-related conditions. An algorithm developed to predict the effect of missense changes on protein structure and function (PolyPhen-2) suggests that this variant is likely to be tolerated. In summary, the available evidence is currently insufficient to determine the role of this variant in disease. Therefore, it has been classified as a Variant of Uncertain Significance.